The following is an entry in ClinVar:

ClinVar aggregate classification (germline): Conflicting classifications of pathogenicity. Review status: criteria provided, conflicting classifications (1 of 4 stars). 6 submissions from 6 submitters: Uncertain significance (3); Likely benign (3). Last evaluated 2024-08-10.

Conditions:
Familial cancer of breast. Also called: BREAST CANCER, FAMILIAL; Hereditary breast cancer; hereditary breast carcinoma. Identifiers: Orphanet 227535, MedGen C0346153, MONDO:0016419, OMIM 114480. Disease mechanism: loss of function.
Hereditary cancer-predisposing syndrome. Also called: Tumor predisposition; Hereditary Cancer Syndrome; Hereditary neoplastic syndrome; Neoplastic Syndromes, Hereditary. Identifiers: Orphanet 140162, MedGen C0027672, MeSH D009386, MONDO:0015356.
Hereditary breast ovarian cancer syndrome. Also called: Breast and ovarian cancer; Hereditary breast and ovarian cancer; Hereditary breast and/or ovarian cancer syndrome; BRCA1- and BRCA2-Associated Hereditary Breast and Ovarian Cancer; Hereditary breast and ovarian cancer syndrome (HBOC); Hereditary breast and ovarian cancer syndrome. Identifiers: Orphanet 145, MedGen C0677776, MeSH D061325, MONDO:0003582. Disease mechanism: loss of function.

Allele frequency attached by ClinVar (database versions not stated): gnomAD exomes below 0.00001.
gnomAD v4.1: 1 of 1,614,152 alleles (0.000062%); highest among the groups gnomAD compares: African/African-American, 0.0013%; no homozygotes.

Submissions (6):

Ambry Genetics
Classification: Uncertain significance for Hereditary cancer-predisposing syndrome. Last evaluated: 2024-08-10. Review status: criteria provided, single submitter. Criteria: Ambry Variant Classification Scheme 2023. Collection method: clinical testing. Allele origin: germline.
Comment: The p.Q1227H variant (also known as c.3681A>T), located in coding exon 9 of the BRCA1 gene, results from an A to T substitution at nucleotide position 3681. The glutamine at codon 1227 is replaced by histidine, an amino acid with highly similar properties. This amino acid position is well conserved in available vertebrate species. In addition, the in silico prediction for this alteration is inconclusive. Since supporting evidence is limited at this time, the clinical significance of this alteration remains unclear.

MGZ Medical Genetics Center
Classification: Likely benign for Familial cancer of breast. Last evaluated: 2024-02-09. Review status: criteria provided, single submitter. Criteria: CSpec BRCA1/2ACMG Rules Specifications V1.1.0. Collection method: clinical testing. Allele origin: germline. Affected: yes.
Comment: ACMG codes applied following ENIGMA VCEP rules: BP1_STR, PM2_SUP

German Consortium for Hereditary Breast and Ovarian Cancer, University Hospital Cologne
Classification: Likely benign for Hereditary breast ovarian cancer syndrome. Last evaluated: 2024-01-08. Review status: criteria provided, single submitter. Criteria: ClinGen BRCA1 V1.0.0. Collection method: curation. Allele origin: germline.
Comment: . According to the ClinGen ENIGMA BRCA1 v1.0.0 criteria we chose this criterium: BP1 (strong benign): BP1_Strong for silent substitution, missense or in-frame insertion, deletion or delins variants outside a (potentially) clinically important functional domain AND no splicing predicted (spliceAI: BRCA1: 0.01)

University of Washington Department of Laboratory Medicine, University of Washington
Classification: Likely benign for Hereditary cancer-predisposing syndrome. Last evaluated: 2023-03-23. Review status: criteria provided, single submitter. Criteria: Dines et al. (Genet Med. 2020). Collection method: curation. Allele origin: germline.
Comment: Missense variant in a coldspot region where missense variants are very unlikely to be pathogenic (PMID:31911673).

BRCA1 coldspot (exon 11 using historical exon numbering). Reclassification based on statistical prior probability

Labcorp Genetics (formerly Invitae), Labcorp
Classification: Uncertain significance for Hereditary breast ovarian cancer syndrome. Last evaluated: 2021-08-27. Review status: criteria provided, single submitter. Criteria: Invitae Variant Classification Sherloc (09022015). Collection method: clinical testing. Allele origin: germline.
Comment: In summary, the available evidence is currently insufficient to determine the role of this variant in disease. Therefore, it has been classified as a Variant of Uncertain Significance. Advanced modeling of protein sequence and biophysical properties (such as structural, functional, and spatial information, amino acid conservation, physicochemical variation, residue mobility, and thermodynamic stability) performed at Invitae indicates that this missense variant is not expected to disrupt BRCA1 protein function. This variant has not been reported in the literature in individuals with BRCA1-related conditions. ClinVar contains an entry for this variant (Variation ID: 182154). This variant is not present in population databases (ExAC no frequency). This sequence change replaces glutamine with histidine at codon 1227 of the BRCA1 protein (p.Gln1227His). The glutamine residue is highly conserved and there is a small physicochemical difference between glutamine and histidine.

GeneDx
Classification: Uncertain significance. Last evaluated: 2016-04-20. Review status: criteria provided, single submitter. Criteria: GeneDx Variant Classification (06012015). Collection method: clinical testing. Allele origin: germline. Affected: yes.
Comment: This variant is denoted BRCA1 c.3681A>T at the cDNA level, p.Gln1227His (Q1227H) at the protein level, and results in the change of a Glutamine to a Histidine (CAA>CAT). Using alternate nomenclature, this variant would be defined as BRCA1 3800A>T. This variant has not, to our knowledge, been published in the literature as pathogenic or benign. BRCA1 Gln1227His was not observed in approximately 6,500 individuals of European and African American ancestry in the NHLBI Exome Sequencing Project, suggesting it is not a common benign variant in these populations. Since Glutamine and Histidine differ in some properties, this is considered a semi-conservative amino acid substitution. BRCA1 Gln1227His occurs at a position that is conserved in mammals and is not located in a known functional domain. In silico analyses are inconsistent regarding the effect this variant may have on protein structure and function. Based on currently available information, it is unclear whether BRCA1 Gln1227His is pathogenic or benign. We consider it to be a variant of uncertain significance.

NM_007294.4(BRCA1):c.3681A>T (p.Gln1227His)

Genes: BRCA1 (BRCA1 DNA repair associated; minus strand), LOC126862571 (BRD4-independent group 4 enhancer GRCh37_chr17:41243136-41244335; plus strand). Cytogenetic location: 17q21.31.
Variant type: single nucleotide variant.
Coding change: c.3681A>T on transcript NM_007294.4 (MANE Select); coding-DNA position 3681, A replaced by T.
Protein change: p.Gln1227His; replaces glutamine 1227 with histidine.
Molecular consequence: missense variant. On other transcripts: intron variant (135).
Genome position (GRCh38, 1-based): chr17:43,091,850, T>A on the plus strand (A>T on the coding strand, the complement: BRCA1 is on the minus strand). VCF-style: chr17-43091850-T-A. GRCh37 (hg19) VCF-style: chr17-41243867-T-A.
Other names: p.Q1227H:CAA>CAT; c.3468A>T, p.Gln1156His (NM_001407571.1, NM_001407853.1, NM_001407894.1 and 9 more transcripts); c.3681A>T, p.Gln1227His (NM_001407581.1, NM_001407582.1, NM_001407583.1 and 30 more transcripts); c.3678A>T, p.Gln1226His (NM_001407587.1, NM_001407590.1, NM_001407591.1 and 22 more transcripts); c.3672A>T, p.Gln1224His (NM_001407646.1, NM_001407647.1); c.3558A>T, p.Gln1186His (NM_001407648.1, NM_001407664.1, NM_001407665.1 and 19 more transcripts); c.3555A>T, p.Gln1185His (NM_001407649.1, NM_001407670.1, NM_001407671.1 and 11 more transcripts); c.3603A>T, p.Gln1201His (NM_001407653.1, NM_001407654.1, NM_001407655.1 and 4 more transcripts); and 42 more; short protein forms Q1227H, Q1180H, Q1099H, Q1100H, Q1156H, Q1157H, Q1160H, Q1224H.
Identifiers: ClinVar variation 182154 (VCV000182154.20), dbSNP rs730881488, ClinGen allele CA002354.